The following is an entry in ClinVar:

NM_005515.4(MNX1):c.980A>G (p.Glu327Gly)

Gene: MNX1 (motor neuron and pancreas homeobox 1; minus strand). Cytogenetic location: 7q36.3.
Variant type: single nucleotide variant.
Coding change: c.980A>G on transcript NM_005515.4 (MANE Select); coding-DNA position 980, A replaced by G.
Protein change: p.Glu327Gly; replaces glutamic acid 327 with glycine.
Molecular consequence: missense variant.
Genome position (GRCh38, 1-based): chr7:157,005,746, T>C on the plus strand (A>G on the coding strand, the complement: MNX1 is on the minus strand). VCF-style: chr7-157005746-T-C. GRCh37 (hg19) VCF-style: chr7-156798440-T-C.
Other names: c.344A>G, p.Glu115Gly (NM_001165255.2); short protein forms E115G, E327G.
Identifiers: ClinVar variation 3594450 (VCV003594450.3).

ClinVar aggregate classification (germline): Uncertain significance. Review status: criteria provided, multiple submitters, no conflicts (2 of 4 stars). 2 submissions from 2 submitters: Uncertain significance (2). Last evaluated 2025-03-17.

Conditions:
Currarino triad. Identifiers: Orphanet 1552, MedGen C1531773, MONDO:0008305, OMIM 176450.

Submissions (2):

Labcorp Genetics (formerly Invitae), Labcorp
Classification: Uncertain significance. Last evaluated: 2025-03-17. Review status: criteria provided, single submitter. Criteria: Invitae Variant Classification Sherloc (09022015). Collection method: clinical testing. Allele origin: germline.
Comment: This sequence change replaces glutamic acid, which is acidic and polar, with glycine, which is neutral and non-polar, at codon 327 of the MNX1 protein (p.Glu327Gly). This variant is not present in population databases (gnomAD no frequency). This variant has not been reported in the literature in individuals affected with MNX1-related conditions. ClinVar contains an entry for this variant (Variation ID: 3594450). Invitae Evidence Modeling of protein sequence and biophysical properties (such as structural, functional, and spatial information, amino acid conservation, physicochemical variation, residue mobility, and thermodynamic stability) indicates that this missense variant is not expected to disrupt MNX1 protein function with a negative predictive value of 80%. In summary, the available evidence is currently insufficient to determine the role of this variant in disease. Therefore, it has been classified as a Variant of Uncertain Significance.

Fulgent Genetics
Classification: Uncertain significance for Currarino triad. Last evaluated: 2024-05-21. Review status: criteria provided, single submitter. Criteria: ACMG Guidelines, 2015. Collection method: clinical testing. Allele origin: germline.